The following is an entry in ClinVar:

NM_016139.4(CHCHD2):c.445+14C>T

Gene: CHCHD2 (coiled-coil-helix-coiled-coil-helix domain containing 2; minus strand). Cytogenetic location: 7p11.2.
Variant type: single nucleotide variant.
Coding change: c.445+14C>T on transcript NM_016139.4 (MANE Select); 14 bases into the intron after coding-DNA position 445, C replaced by T.
Molecular consequence: intron variant.
Genome position (GRCh38, 1-based): chr7:56,102,853, G>A on the plus strand (C>T on the coding strand, the complement: CHCHD2 is on the minus strand). VCF-style: chr7-56102853-G-A. GRCh37 (hg19) VCF-style: chr7-56170546-G-A.
Other names: c.449+10C>T (NM_001320327.2, NM_001320327.1).
Identifiers: ClinVar variation 1589146 (VCV001589146.11), dbSNP rs201421064, ClinGen allele CA4270492.
Genomic context (GRCh38, chr7:56,102,853, plus strand): 5'-GATTACCCTAAGTTCTACAGGATCCAGGAATTCCACTGTGAATTAAGCAGATGTAAATTG[G>A]ACAAATTACCTACCGTTTGCAAGTCGGCACTGTTTCAGCACCTCATTGAAACCCTCACAG-3'

ClinVar aggregate classification (germline): Benign/Likely benign. Review status: criteria provided, multiple submitters, no conflicts (2 of 4 stars). 3 submissions from 3 submitters: Benign (2); Likely benign (1). Last evaluated 2025-11-13.

Conditions:
CHCHD2-related disorder. Also called: CHCHD2-related condition.

Allele frequency attached by ClinVar (database versions not stated): gnomAD 0.00061 and 0.00062; TOPMed 0.00063; ExAC 0.00076; ESP Exome Variant Server 0.00085; gnomAD exomes 0.00088.
gnomAD v4.1: 882 of 1,613,426 alleles (0.055%); highest among the groups gnomAD compares: Middle Eastern, 0.17%; 1 homozygote.

Submissions (3):

Labcorp Genetics (formerly Invitae), Labcorp
Classification: Benign. Last evaluated: 2025-11-13. Review status: criteria provided, single submitter. Criteria: Invitae Variant Classification Sherloc (09022015). Collection method: clinical testing. Allele origin: germline.

PreventionGenetics, part of Exact Sciences
Classification: Likely benign for CHCHD2-related condition. Last evaluated: 2025-05-21. Review status: criteria provided, single submitter. Criteria: ACMG Guidelines, 2015. Collection method: clinical testing. Allele origin: germline.
Comment: This variant is classified as likely benign based on ACMG/AMP sequence variant interpretation guidelines (Richards et al. 2015 PMID: 25741868, with internal and published modifications).

Breakthrough Genomics
Classification: Benign. Review status: criteria provided, single submitter. Criteria: ACMG Guidelines, 2015. Collection method: not provided. Allele origin: germline. Inheritance: Autosomal dominant inheritance. Affected: yes.